The following is an entry in ClinVar:

ClinVar aggregate classification (germline): Pathogenic (1 of 4 stars; one submission).

Submission:

Quest Diagnostics Nichols Institute San Juan Capistrano
Classification: Pathogenic. Last evaluated: 2024-04-05. Review status: criteria provided, single submitter. Criteria: ACMG/ClinGen CNV Guidelines, 2019. Collection method: clinical testing. Allele origin: unknown.
Comment: Isolated 8p23 terminal deletions similar to or falling within the current interval have been identified in a number of probands ((ISCA-37423; Burnside 2013, Catusi 2021, Firth 2009, Shi 2017). DLGAP2, CLN8, and ARHGEF10 have been proposed as critical genes making up the core region of overlap in reported cases (Catusi 2021). There are no similar copy number losses of this region in the general populations of the Database of Genomic Variants. Thus, this copy number variant (CNV) is classified as pathogenic. References: Burnside et al., Am J Med Genet A. 2013 Apr;161A(4):822-8. PMID: 23495222; Catusi et al., Genes (Basel). 2021 Apr 27;12(5):652. PMID: 33925474; Firth et al., Am J Hum Genet. 2009 Apr;84(4):524-33. PMID: 19344873; Shi et al., Mol Med Rep. 2017 Nov;16(5):6837-6845. PMID: 2890143

GRCh37/hg19 8p23.3-23.1(chr8:158049-8093066)x1

Genes: DLGAP2 (DLG associated protein 2; plus strand), ERICH1 (glutamate rich 1; minus strand), AGPAT5 (1-acylglycerol-3-phosphate O-acyltransferase 5; plus strand), ANGPT2 (angiopoietin 2; minus strand), ARHGEF10 (Rho guanine nucleotide exchange factor 10; plus strand) and 36 more. Cytogenetic location: 8p23.3-23.1.
Variant type: copy number loss.
Change: copy number 1 (one copy instead of two) of chr8:158,049-8,093,066 (7.94 Mb, GRCh37 coordinates, 1-based), cytogenetic band 8p23.3-23.1.
Identifiers: ClinVar variation 2685280 (VCV002685280.1).